The following is an entry in ClinVar:

NM_021076.4(NEFH):c.1066G>A (p.Asp356Asn)

Gene: NEFH (neurofilament heavy chain; plus strand). Cytogenetic location: 22q12.2.
Variant type: single nucleotide variant.
Coding change: c.1066G>A on transcript NM_021076.4 (MANE Select); coding-DNA position 1066, G replaced by A.
Protein change: p.Asp356Asn; replaces aspartic acid 356 with asparagine.
Molecular consequence: missense variant.
Genome position (GRCh38, 1-based): chr22:29,483,557, G>A. VCF-style: chr22-29483557-G-A. GRCh37 (hg19) VCF-style: chr22-29879546-G-A.
Other names: short protein forms D356N.
Identifiers: ClinVar variation 1515350 (VCV001515350.11), dbSNP rs565974716, ClinGen allele CA10174100.

ClinVar aggregate classification (germline): Uncertain significance. Review status: criteria provided, multiple submitters, no conflicts (2 of 4 stars). 2 submissions from 2 submitters: Uncertain significance (2). Last evaluated 2026-01-26.

Conditions:
Inborn genetic diseases. Identifiers: MedGen C0950123, MeSH D030342.

Allele frequency attached by ClinVar (database versions not stated): gnomAD 0.00001; gnomAD exomes 0.00001 and 0.00002; ExAC 0.00002; TOPMed 0.00002; 1000 Genomes Project 30x 0.00016; 1000 Genomes Project 0.00020.
gnomAD v4.1: 22 of 1,613,758 alleles (0.0014%); highest among the groups gnomAD compares: South Asian, 0.0066%; no homozygotes.

Submissions (2):

Labcorp Genetics (formerly Invitae), Labcorp
Classification: Uncertain significance. Last evaluated: 2026-01-26. Review status: criteria provided, single submitter. Criteria: Invitae Variant Classification Sherloc (09022015). Collection method: clinical testing. Allele origin: germline.
Comment: This sequence change replaces aspartic acid, which is acidic and polar, with asparagine, which is neutral and polar, at codon 356 of the NEFH protein (p.Asp356Asn). This variant is present in population databases (rs565974716, gnomAD 0.006%). This variant has not been reported in the literature in individuals affected with NEFH-related conditions. ClinVar contains an entry for this variant (Variation ID: 1515350). Invitae Evidence Modeling of protein sequence and biophysical properties (such as structural, functional, and spatial information, amino acid conservation, physicochemical variation, residue mobility, and thermodynamic stability) indicates that this missense variant is not expected to disrupt NEFH protein function with a negative predictive value of 95%. In summary, the available evidence is currently insufficient to determine the role of this variant in disease. Therefore, it has been classified as a Variant of Uncertain Significance.

Ambry Genetics
Classification: Uncertain significance for Inborn genetic diseases. Last evaluated: 2024-09-03. Review status: criteria provided, single submitter. Criteria: Ambry Variant Classification Scheme 2023. Collection method: clinical testing. Allele origin: germline.
Comment: The c.1066G>A (p.D356N) alteration is located in exon 2 (coding exon 2) of the NEFH gene. This alteration results from a G to A substitution at nucleotide position 1066, causing the aspartic acid (D) at amino acid position 356 to be replaced by an asparagine (N). This amino acid position is well conserved in available vertebrate species. The alteration is predicted deleterious by in silico models: The p.D356N alteration is predicted to be probably damaging by Polyphen and deleterious by SIFT in silico analyses. Based on insufficient or conflicting evidence, the clinical significance of this alteration remains unclear.